The following is an entry in ClinVar:

NM_003153.5(STAT6):c.1718T>C (p.Ile573Thr)

Gene: STAT6 (signal transducer and activator of transcription 6; minus strand). Cytogenetic location: 12q13.3.
Variant type: single nucleotide variant.
Coding change: c.1718T>C on transcript NM_003153.5 (MANE Select); coding-DNA position 1718, T replaced by C.
Protein change: p.Ile573Thr; replaces isoleucine 573 with threonine.
Molecular consequence: missense variant. On other transcripts: non-coding transcript variant (1).
Genome position (GRCh38, 1-based): chr12:57,099,793, A>G on the plus strand (T>C on the coding strand, the complement: STAT6 is on the minus strand). VCF-style: chr12-57099793-A-G. GRCh37 (hg19) VCF-style: chr12-57493576-A-G.
Other names: c.1718T>C, p.Ile573Thr (NM_001178078.2, NM_001178079.2); c.1388T>C, p.Ile463Thr (NM_001178080.2, NM_001178081.2); short protein forms I463T, I573T.
Identifiers: ClinVar variation 2505708 (VCV002505708.1), dbSNP rs2548019355, ClinGen allele CA385427028.

ClinVar aggregate classification (germline): Uncertain significance (1 of 4 stars; one submission).

Allele frequency attached by ClinVar (database versions not stated): gnomAD exomes below 0.00001.

Submission:

GeneDx
Classification: Uncertain significance. Last evaluated: 2022-12-13. Review status: criteria provided, single submitter. Criteria: GeneDx Variant Classification Process June 2021. Collection method: clinical testing. Allele origin: germline. Affected: yes.
Comment: Not observed at significant frequency in large population cohorts (gnomAD); In silico analysis supports that this missense variant has a deleterious effect on protein structure/function; Has not been previously published as pathogenic or benign to our knowledge; Variants in candidate genes are classified as variants of uncertain significance in accordance with ACMG guidelines (Richards et al., 2015)